The following is an entry in ClinVar:

NC_000007.13:g.(117120202_117144306)_(117144418_117149087)dup

Gene: CFTR (CF transmembrane conductance regulator; plus strand). Cytogenetic location: 7q31.2.
Variant type: Duplication.
Identifiers: ClinVar variation 2682344 (VCV002682344.1).

ClinVar aggregate classification (germline): Likely pathogenic (1 of 4 stars; one submission).

Conditions:
Cystic fibrosis (CF). Also called: MUCOVISCIDOSIS. Identifiers: Orphanet 586, MedGen C0010674, MONDO:0009061, OMIM 219700. Disease mechanism: loss of function.

Submission:

Women's Health and Genetics/Laboratory Corporation of America, LabCorp
Classification: Likely pathogenic for Cystic fibrosis. Last evaluated: 2023-11-06. Review status: criteria provided, single submitter. Criteria: LabCorp Variant Classification Summary - May 2015. Collection method: clinical testing. Allele origin: germline.
Comment: Variant summary: The variant involves the duplication of exon 2 in the CFTR gene. A presumed nomenclature of c.(53+1_54-1)_(164+1_165-1)dup has been designated for the purposes of this classification. It is assumed to be a tandem duplication in direct orientation (Richardson_GIM_2018, Newman_AJHG_2015). This Copy Number Variant (CNV) is predicted to result in an in-frame duplication within this gene. The variant was absent in 21694 control chromosomes. The available data on variant occurrences in the general population are insufficient to allow any conclusion about variant significance. c.(53+1_54-1)_(164+1_165-1)dup has been reported in the literature in individuals affected with Cystic Fibrosis. These data indicate that the variant is likely to be associated with disease. To our knowledge, no experimental evidence demonstrating an impact on protein function has been reported. The following publication have been ascertained in the context of this evaluation (PMID: 34600583). No submitters have cited clinical-significance assessments for this variant to ClinVar after 2014. Based on the evidence outlined above, the variant was classified as likely pathogenic.

Literature cited by the submitters: PubMed 34600583.